The following is an entry in ClinVar:

NM_001261826.3(AP3D1):c.894C>G (p.Ser298Arg)

Gene: AP3D1 (adaptor related protein complex 3 subunit delta 1; minus strand). Cytogenetic location: 19p13.3.
Variant type: single nucleotide variant.
Coding change: c.894C>G on transcript NM_001261826.3 (MANE Select); coding-DNA position 894, C replaced by G.
Protein change: p.Ser298Arg; replaces serine 298 with arginine.
Molecular consequence: missense variant.
Genome position (GRCh38, 1-based): chr19:2,123,842, G>C on the plus strand (C>G on the coding strand, the complement: AP3D1 is on the minus strand). VCF-style: chr19-2123842-G-C. GRCh37 (hg19) VCF-style: chr19-2123841-G-C.
Other names: p.Ser298Arg; c.894C>G, p.Ser298Arg (NM_001374799.1, NM_003938.8); c.894C>G (NM_003938.5); short protein forms S298R.
Identifiers: ClinVar variation 3380557 (VCV003380557.2).

ClinVar aggregate classification (germline): Uncertain significance. Review status: criteria provided, multiple submitters, no conflicts (2 of 4 stars). 2 submissions from 2 submitters: Uncertain significance (2). Last evaluated 2025-05-05.

Conditions:
Inborn genetic diseases. Identifiers: MedGen C0950123, MeSH D030342.

Submissions (2):

Ambry Genetics
Classification: Uncertain significance for Inborn genetic diseases. Last evaluated: 2025-05-05. Review status: criteria provided, single submitter. Criteria: Ambry Variant Classification Scheme 2023. Collection method: clinical testing. Allele origin: germline.

Mayo Clinic Laboratories, Mayo Clinic
Classification: Uncertain significance. Last evaluated: 2023-11-16. Review status: criteria provided, single submitter. Criteria: ACMG Guidelines, 2015. Collection method: clinical testing. Allele origin: germline. Observed: 1 variant allele.
Comment: PM2